The following is an entry in ClinVar:

ClinVar aggregate classification (germline): Uncertain significance (1 of 4 stars; one submission).

Conditions:
Lafora disease. Also called: Epilepsy progressive myoclonic 2; Progressive Myoclonus Epilepsy, Lafora Type. Identifiers: Orphanet 501, MedGen C0751783, MONDO:0009697.

Allele frequency attached by ClinVar (database versions not stated): TOPMed below 0.00001; gnomAD 0.00001.

Submission:

Labcorp Genetics (formerly Invitae), Labcorp
Classification: Uncertain significance for Lafora disease. Last evaluated: 2022-02-03. Review status: criteria provided, single submitter. Criteria: Invitae Variant Classification Sherloc (09022015). Collection method: clinical testing. Allele origin: germline.
Comment: This sequence change replaces glycine, which is neutral and non-polar, with aspartic acid, which is acidic and polar, at codon 220 of the NHLRC1 protein (p.Gly220Asp). This variant is not present in population databases (gnomAD no frequency). This variant has not been reported in the literature in individuals affected with NHLRC1-related conditions. Algorithms developed to predict the effect of missense changes on protein structure and function (SIFT, PolyPhen-2, Align-GVGD) all suggest that this variant is likely to be disruptive. In summary, the available evidence is currently insufficient to determine the role of this variant in disease. Therefore, it has been classified as a Variant of Uncertain Significance.

NM_198586.3(NHLRC1):c.659G>A (p.Gly220Asp)

Gene: NHLRC1 (NHL repeat containing E3 ubiquitin protein ligase 1; minus strand). Cytogenetic location: 6p22.3.
Variant type: single nucleotide variant.
Coding change: c.659G>A on transcript NM_198586.3 (MANE Select); coding-DNA position 659, G replaced by A.
Protein change: p.Gly220Asp; replaces glycine 220 with aspartic acid.
Molecular consequence: missense variant.
Genome position (GRCh38, 1-based): chr6:18,121,948, C>T on the plus strand (G>A on the coding strand, the complement: NHLRC1 is on the minus strand). VCF-style: chr6-18121948-C-T. GRCh37 (hg19) VCF-style: chr6-18122179-C-T.
Other names: short protein forms G220D.
Identifiers: ClinVar variation 1506020 (VCV001506020.8), dbSNP rs1449381352, ClinGen allele CA362826659.